The following is an entry in ClinVar:

ClinVar aggregate classification (germline): Uncertain significance (1 of 4 stars; one submission).

Submission:

Women's Health and Genetics/Laboratory Corporation of America, LabCorp
Classification: Uncertain significance. Last evaluated: 2022-06-03. Review status: criteria provided, single submitter. Criteria: LabCorp Variant Classification Summary - May 2015. Collection method: clinical testing. Allele origin: germline.
Comment: Variant summary: PLCG2 c.2236-19T>G alters a non-conserved nucleotide located close to a canonical splice site and therefore could affect mRNA splicing, leading to a significantly altered protein sequence. 4/4 computational tools predict no significant impact on normal splicing. However, these predictions have yet to be confirmed by functional studies. The variant was absent in 248398 control chromosomes. The available data on variant occurrences in the general population are insufficient to allow any conclusion about variant significance. To our knowledge, no occurrence of c.2236-19T>G in individuals affected with Autoinflammation-PLCG2 Antibody Deficiency-Immune Dysregulation and no experimental evidence demonstrating its impact on protein function have been reported. No clinical diagnostic laboratories have submitted clinical-significance assessments for this variant to ClinVar after 2014. Based on the evidence outlined above, the variant was classified as uncertain significance.

NM_002661.5(PLCG2):c.2236-19T>G

Gene: PLCG2 (phospholipase C gamma 2; plus strand). Cytogenetic location: 16q23.3.
Variant type: single nucleotide variant.
Coding change: c.2236-19T>G on transcript NM_002661.5 (MANE Select); 19 bases into the intron before coding-DNA position 2236, T replaced by G.
Molecular consequence: intron variant.
Genome position (GRCh38, 1-based): chr16:81,921,179, T>G. VCF-style: chr16-81921179-T-G. GRCh37 (hg19) VCF-style: chr16-81954784-T-G.
Identifiers: ClinVar variation 1698467 (VCV001698467.1), dbSNP rs2143686815, ClinGen allele CA2580092169.
Genomic context (GRCh38, chr16:81,921,179, plus strand): 5'-AGCCTAGAACCCTTGTTATATGTAAGGGCTATTCCAGGAGCATGGATTATTCCATTTCTT[T>G]CTTTCTTTTTTTTTCCAGGAAAGAGATATAAACTCCCTCTACGACGTCAGCAGAATGTAT-3'